The following is an entry in ClinVar:

NM_170601.5(SIAE):c.393G>T (p.Met131Ile)

Gene: SIAE (sialic acid acetylesterase; minus strand). Cytogenetic location: 11q24.2.
Variant type: single nucleotide variant.
Coding change: c.393G>T on transcript NM_170601.5 (MANE Select); coding-DNA position 393, G replaced by T.
Protein change: p.Met131Ile; replaces methionine 131 with isoleucine.
Molecular consequence: missense variant.
Genome position (GRCh38, 1-based): chr11:124,660,640, C>A on the plus strand (G>T on the coding strand, the complement: SIAE is on the minus strand). VCF-style: chr11-124660640-C-A. GRCh37 (hg19) VCF-style: chr11-124530536-C-A.
Other names: c.288G>T, p.Met96Ile (NM_001199922.2); short protein forms M131I, M96I.
Identifiers: ClinVar variation 4735502 (VCV004735502.1).

ClinVar aggregate classification (germline): Uncertain significance (1 of 4 stars; one submission).

Submission:

Labcorp Genetics (formerly Invitae), Labcorp
Classification: Uncertain significance. Last evaluated: 2026-01-17. Review status: criteria provided, single submitter. Criteria: Invitae Variant Classification Sherloc (09022015). Collection method: clinical testing. Allele origin: germline.
Comment: This sequence change replaces methionine, which is neutral and non-polar, with isoleucine, which is neutral and non-polar, at codon 131 of the SIAE protein (p.Met131Ile). This variant is not present in population databases (gnomAD no frequency). This variant has not been reported in the literature in individuals affected with SIAE-related conditions. An algorithm developed to predict the effect of missense changes on protein structure and function (PolyPhen-2) suggests that this variant is likely to be tolerated. Algorithms developed to predict the effect of sequence changes on RNA splicing suggest that this variant may create or strengthen a splice site. In summary, the available evidence is currently insufficient to determine the role of this variant in disease. Therefore, it has been classified as a Variant of Uncertain Significance.